The following is an entry in ClinVar:

ClinVar aggregate classification (germline): Uncertain significance. Review status: criteria provided, multiple submitters, no conflicts (2 of 4 stars). 4 submissions from 4 submitters: Uncertain significance (4). Last evaluated 2026-05-12.

Conditions:
Nephronophthisis. Also called: Juvenile Nephronophthisis. Identifiers: Orphanet 655, MedGen C0687120, MONDO:0019005, HP:0000090.
Jeune thoracic dystrophy. Also called: Infantile thoracic dystrophy; Thoracic pelvic phalangeal dystrophy; Jeune's syndrome; Chondroectodermal dysplasia-like syndrome; Jeune syndrome; Short-rib thoracic dysplasia. Identifiers: Orphanet 474, MedGen C0265275, MONDO:0018770.
Nephronophthisis 12 (NPHP12). Identifiers: Orphanet 655, MedGen C3151186, MONDO:0013442, OMIM 613820.
Asphyxiating thoracic dystrophy 4 (SRTD4). Also called: SHORT-RIB THORACIC DYSPLASIA 4; SHORT-RIB THORACIC DYSPLASIA 4 WITH OR WITHOUT POLYDACTYLY. Identifiers: Orphanet 474, MedGen C3151185, MONDO:0013441, OMIM 613819.
TTC21B-related disorder. Also called: TTC21B-related condition; TTC21B-related disorders.

Allele frequency attached by ClinVar (database versions not stated): ExAC 0.00003; gnomAD 0.00003 and 0.00004; gnomAD exomes 0.00004; TOPMed 0.00006; ESP Exome Variant Server 0.00023.
gnomAD v4.1: 73 of 1,613,920 alleles (0.0045%); highest among the groups gnomAD compares: Non-Finnish European, 0.0058%; no homozygotes.

Submissions (4):

PreventionGenetics, part of Exact Sciences
Classification: Uncertain significance for TTC21B-related condition. Last evaluated: 2026-05-12. Review status: criteria provided, single submitter. Criteria: ACMG Guidelines, 2015. Collection method: clinical testing. Allele origin: germline.
Comment: The TTC21B c.1963C>T variant is predicted to result in the amino acid substitution p.Arg655Trp. To our knowledge, this variant has not been reported in the literature. This variant is reported in 0.0085% of alleles in individuals of Latino descent in gnomAD. At this time, the clinical significance of this variant is uncertain due to the absence of conclusive functional and genetic evidence.

Labcorp Genetics (formerly Invitae), Labcorp
Classification: Uncertain significance for Jeune thoracic dystrophy; Nephronophthisis. Last evaluated: 2025-12-24. Review status: criteria provided, single submitter. Criteria: Invitae Variant Classification Sherloc (09022015). Collection method: clinical testing. Allele origin: germline.
Comment: This sequence change replaces arginine, which is basic and polar, with tryptophan, which is neutral and slightly polar, at codon 655 of the TTC21B protein (p.Arg655Trp). This variant is present in population databases (rs138937289, gnomAD 0.008%). This variant has not been reported in the literature in individuals affected with TTC21B-related conditions. ClinVar contains an entry for this variant (Variation ID: 1315142). Invitae Evidence Modeling of protein sequence and biophysical properties (such as structural, functional, and spatial information, amino acid conservation, physicochemical variation, residue mobility, and thermodynamic stability) has been performed for this missense variant. However, the output from this modeling did not meet the statistical confidence thresholds required to predict the impact of this variant on TTC21B protein function. In summary, the available evidence is currently insufficient to determine the role of this variant in disease. Therefore, it has been classified as a Variant of Uncertain Significance.

Fulgent Genetics
Classification: Uncertain significance for Asphyxiating thoracic dystrophy 4; Nephronophthisis 12. Last evaluated: 2024-04-16. Review status: criteria provided, single submitter. Criteria: ACMG Guidelines, 2015. Collection method: clinical testing. Allele origin: germline.

GeneDx
Classification: Uncertain significance. Last evaluated: 2020-02-05. Review status: criteria provided, single submitter. Criteria: GeneDx Variant Classification Process June 2021. Collection method: clinical testing. Allele origin: germline. Affected: yes.
Comment: In silico analysis supports that this missense variant has a deleterious effect on protein structure/function; Has not been previously published as pathogenic or benign to our knowledge

NM_024753.5(TTC21B):c.1963C>T (p.Arg655Trp)

Gene: TTC21B (tetratricopeptide repeat domain 21B; minus strand). Cytogenetic location: 2q24.3.
Variant type: single nucleotide variant.
Coding change: c.1963C>T on transcript NM_024753.5 (MANE Select); coding-DNA position 1963, C replaced by T.
Protein change: p.Arg655Trp; replaces arginine 655 with tryptophan.
Molecular consequence: missense variant.
Genome position (GRCh38, 1-based): chr2:165,915,376, G>A on the plus strand (C>T on the coding strand, the complement: TTC21B is on the minus strand). VCF-style: chr2-165915376-G-A. GRCh37 (hg19) VCF-style: chr2-166771886-G-A.
Other names: short protein forms R655W.
Identifiers: ClinVar variation 1315142 (VCV001315142.9), dbSNP rs138937289, ClinGen allele CA1941966.